The following is an entry in ClinVar:

ClinVar aggregate classification (germline): Uncertain significance (1 of 4 stars; one submission).

Conditions:
Charcot-Marie-Tooth disease axonal type 2P. Also called: CHARCOT-MARIE-TOOTH NEUROPATHY, TYPE 2P; CHARCOT-MARIE-TOOTH DISEASE, AXONAL, TYPE 2G; CMT 2G; Charcot-Marie-Tooth Neuropathy Type 2G. Identifiers: Orphanet 300319, Orphanet 99941, MedGen C3280797, MONDO:0013753, OMIM 614436.

Allele frequency attached by ClinVar (database versions not stated): gnomAD 0.00001; TOPMed 0.00001; ExAC 0.00001; gnomAD exomes 0.00001.
gnomAD v4.1: 11 of 1,604,824 alleles (0.00069%); highest among the groups gnomAD compares: South Asian, 0.0033%; no homozygotes.

Submission:

Labcorp Genetics (formerly Invitae), Labcorp
Classification: Uncertain significance for Charcot-Marie-Tooth disease axonal type 2P. Last evaluated: 2023-04-11. Review status: criteria provided, single submitter. Criteria: Invitae Variant Classification Sherloc (09022015). Collection method: clinical testing. Allele origin: germline.
Comment: In summary, the available evidence is currently insufficient to determine the role of this variant in disease. Therefore, it has been classified as a Variant of Uncertain Significance. Advanced modeling of protein sequence and biophysical properties (such as structural, functional, and spatial information, amino acid conservation, physicochemical variation, residue mobility, and thermodynamic stability) performed at Invitae indicates that this missense variant is not expected to disrupt LRSAM1 protein function. ClinVar contains an entry for this variant (Variation ID: 539992). This variant has not been reported in the literature in individuals affected with LRSAM1-related conditions. The frequency data for this variant in the population databases is considered unreliable, as metrics indicate poor data quality at this position in the gnomAD database. This sequence change replaces arginine, which is basic and polar, with histidine, which is basic and polar, at codon 718 of the LRSAM1 protein (p.Arg718His).

NM_001005373.4(LRSAM1):c.2153G>A (p.Arg718His)

Gene: LRSAM1 (leucine rich repeat and sterile alpha motif containing 1; plus strand). Cytogenetic location: 9q34.11.
Variant type: single nucleotide variant.
Coding change: c.2153G>A on transcript NM_001005373.4 (MANE Select); coding-DNA position 2153, G replaced by A.
Protein change: p.Arg718His; replaces arginine 718 with histidine.
Molecular consequence: missense variant. On other transcripts: non-coding transcript variant (2).
Genome position (GRCh38, 1-based): chr9:127,502,880, G>A. VCF-style: chr9-127502880-G-A. GRCh37 (hg19) VCF-style: chr9-130265159-G-A.
Other names: c.2153G>A, p.Arg718His (NM_001005374.4, NM_001384142.1, NM_138361.5); c.2072G>A, p.Arg691His (NM_001190723.3); c.2054G>A, p.Arg685His (NM_001384143.1); c.1364G>A, p.Arg455His (NM_001384144.1); short protein forms R718H, R691H, R455H, R685H.
Identifiers: ClinVar variation 539992 (VCV000539992.8), dbSNP rs764890552, ClinGen allele CA5247277.
Genomic context (GRCh38, chr9:127,502,880, plus strand): 5'-AGTGCTGCCAGCCACTGCGCACCTGCCCGCTGTGCCGCCAGGACATCGCCCAGCGCCTCC[G>A]CATCTACCACAGCAGCTGAGTGCTGCCCGCCCACCTGGGCCTGGTCCTAGCCCTGCCTCG-3'
Protein context (NP_001005373.1, residues 708-723): LCRQDIAQRL[Arg718His]IYHSS